The following is an entry in ClinVar:

NM_022489.4(INF2):c.2682C>T (p.Ala894=)

Gene: INF2 (inverted formin 2; plus strand). Cytogenetic location: 14q32.33.
Variant type: single nucleotide variant.
Coding change: c.2682C>T on transcript NM_022489.4 (MANE Select); coding-DNA position 2682, C replaced by T.
Protein change: p.Ala894=; no amino-acid change (alanine 894 retained).
Molecular consequence: synonymous variant.
Genome position (GRCh38, 1-based): chr14:104,712,899, C>T. VCF-style: chr14-104712899-C-T. GRCh37 (hg19) VCF-style: chr14-105179236-C-T.
Other names: c.2682C>T, p.Ala894= (NM_001031714.4).
Identifiers: ClinVar variation 766952 (VCV000766952.13), dbSNP rs770520588, ClinGen allele CA7373038.
Genomic context (GRCh38, chr14:104,712,899, plus strand): 5'-GGCCTTCCGGGCACTGGATGAGCTGTTTGAGGCCATCGAGCAGAAGCAACGGGAGCTGGC[C>T]GACTACCTGTGTGAGGACGCCCAGCAGCTGTCCCTGGAGGACACGTTCAGCACCATGAAG-3'
Protein context (NP_071934.3, residues 884-904): EAIEQKQREL[Ala894=]DYLCEDAQQL

ClinVar aggregate classification (germline): Likely benign. Review status: criteria provided, multiple submitters, no conflicts (2 of 4 stars). 2 submissions from 2 submitters: Likely benign (2). Last evaluated 2026-02-01.

Conditions:
Charcot-Marie-Tooth disease dominant intermediate E. Also called: CHARCOT-MARIE-TOOTH NEUROPATHY WITH FOCAL SEGMENTAL GLOMERULONEPHRITIS. Identifiers: Orphanet 93114, MedGen C4302667, MONDO:0013758, OMIM 614455.
Focal segmental glomerulosclerosis 5 (FSGS5). Identifiers: Orphanet 656, MedGen C2750475, MONDO:0013191, OMIM 613237.

Allele frequency attached by ClinVar (database versions not stated): TOPMed 0.00002; gnomAD 0.00003; gnomAD exomes 0.00005; ExAC 0.00006.
gnomAD v4.1: 35 of 1,612,572 alleles (0.0022%); highest among the groups gnomAD compares: East Asian, 0.0089%; no homozygotes.

Submissions (2):

CeGaT Center for Human Genetics Tuebingen
Classification: Likely benign. Last evaluated: 2026-02-01. Review status: criteria provided, single submitter. Criteria: CeGaT Center For Human Genetics Tuebingen Variant Classification Criteria Version 2. Collection method: clinical testing. Allele origin: germline. Affected: yes. Observed: 1 variant allele.
Comment: INF2: BP4, BP7

Labcorp Genetics (formerly Invitae), Labcorp
Classification: Likely benign for Charcot-Marie-Tooth disease dominant intermediate E; Focal segmental glomerulosclerosis 5. Last evaluated: 2021-12-07. Review status: criteria provided, single submitter. Criteria: Invitae Variant Classification Sherloc (09022015). Collection method: clinical testing. Allele origin: germline.